The following is an entry in ClinVar:

ClinVar aggregate classification (germline): Uncertain significance (1 of 4 stars; one submission).

Conditions:
Inborn genetic diseases. Identifiers: MedGen C0950123, MeSH D030342.

Submission:

Ambry Genetics
Classification: Uncertain significance for Inborn genetic diseases. Last evaluated: 2021-06-20. Review status: criteria provided, single submitter. Criteria: Ambry Variant Classification Scheme 2023. Collection method: clinical testing. Allele origin: germline.
Comment: The p.A2020S variant (also known as c.6058G>T), located in coding exon 35 of the ATR gene, results from a G to T substitution at nucleotide position 6058. The alanine at codon 2020 is replaced by serine, an amino acid with similar properties. This amino acid position is conserved. In addition, this alteration is predicted to be tolerated by in silico analysis. Since supporting evidence is limited at this time, the clinical significance of this alteration remains unclear.

NM_001184.4(ATR):c.6058G>T (p.Ala2020Ser)

Gene: ATR (ATR checkpoint kinase; minus strand). Cytogenetic location: 3q23.
Variant type: single nucleotide variant.
Coding change: c.6058G>T on transcript NM_001184.4 (MANE Select); coding-DNA position 6058, G replaced by T.
Protein change: p.Ala2020Ser; replaces alanine 2020 with serine.
Molecular consequence: missense variant.
Genome position (GRCh38, 1-based): chr3:142,493,152, C>A on the plus strand (G>T on the coding strand, the complement: ATR is on the minus strand). VCF-style: chr3-142493152-C-A. GRCh37 (hg19) VCF-style: chr3-142211994-C-A.
Other names: c.5866G>T, p.Ala1956Ser (NM_001354579.2); short protein forms A2020S, A1956S.
Identifiers: ClinVar variation 1751301 (VCV001751301.2), dbSNP rs2108325782, ClinGen allele CA354811191.